The following is an entry in ClinVar:

ClinVar aggregate classification (germline): Uncertain significance (1 of 4 stars; one submission).

Allele frequency attached by ClinVar (database versions not stated): gnomAD exomes 0.00001; TOPMed 0.00001; ExAC 0.00002; ESP Exome Variant Server 0.00008.

Submission:

Labcorp Genetics (formerly Invitae), Labcorp
Classification: Uncertain significance. Last evaluated: 2022-05-13. Review status: criteria provided, single submitter. Criteria: Invitae Variant Classification Sherloc (09022015). Collection method: clinical testing. Allele origin: germline.
Comment: In summary, the available evidence is currently insufficient to determine the role of this variant in disease. Therefore, it has been classified as a Variant of Uncertain Significance. Algorithms developed to predict the effect of missense changes on protein structure and function (SIFT, PolyPhen-2, Align-GVGD) all suggest that this variant is likely to be disruptive. This variant has not been reported in the literature in individuals affected with TREM2-related conditions. This variant is present in population databases (rs369181900, gnomAD 0.003%). This sequence change replaces cysteine, which is neutral and slightly polar, with tyrosine, which is neutral and polar, at codon 51 of the TREM2 protein (p.Cys51Tyr).

NM_018965.4(TREM2):c.152G>A (p.Cys51Tyr)

Gene: TREM2 (triggering receptor expressed on myeloid cells 2; minus strand). Cytogenetic location: 6p21.1.
Variant type: single nucleotide variant.
Coding change: c.152G>A on transcript NM_018965.4 (MANE Select); coding-DNA position 152, G replaced by A.
Protein change: p.Cys51Tyr; replaces cysteine 51 with tyrosine.
Molecular consequence: missense variant.
Genome position (GRCh38, 1-based): chr6:41,161,502, C>T on the plus strand (G>A on the coding strand, the complement: TREM2 is on the minus strand). VCF-style: chr6-41161502-C-T. GRCh37 (hg19) VCF-style: chr6-41129240-C-T.
Other names: c.152G>A, p.Cys51Tyr (NM_001271821.2); short protein forms C51Y.
Identifiers: ClinVar variation 2076802 (VCV002076802.4), dbSNP rs369181900, ClinGen allele CA3798956.